The following is an entry in ClinVar:

ClinVar aggregate classification (germline): Uncertain significance (1 of 4 stars; one submission).

Allele frequency attached by ClinVar (database versions not stated): ExAC 0.00001.
gnomAD v4.1: 7 of 1,613,418 alleles (0.00043%); highest among the groups gnomAD compares: Non-Finnish European, 0.00059%; no homozygotes.

Submission:

Labcorp Genetics (formerly Invitae), Labcorp
Classification: Uncertain significance. Last evaluated: 2024-05-16. Review status: criteria provided, single submitter. Criteria: Invitae Variant Classification Sherloc (09022015). Collection method: clinical testing. Allele origin: germline.
Comment: This sequence change replaces glutamic acid, which is acidic and polar, with aspartic acid, which is acidic and polar, at codon 495 of the RELA protein (p.Glu495Asp). This variant is present in population databases (rs756297857, gnomAD 0.0009%). This variant has not been reported in the literature in individuals affected with RELA-related conditions. An algorithm developed to predict the effect of missense changes on protein structure and function (PolyPhen-2) suggests that this variant is likely to be disruptive. In summary, the available evidence is currently insufficient to determine the role of this variant in disease. Therefore, it has been classified as a Variant of Uncertain Significance.

NM_021975.4(RELA):c.1485G>C (p.Glu495Asp)

Gene: RELA (RELA proto-oncogene, NF-kB subunit; minus strand). Cytogenetic location: 11q13.1.
Variant type: single nucleotide variant.
Coding change: c.1485G>C on transcript NM_021975.4 (MANE Select); coding-DNA position 1485, G replaced by C.
Protein change: p.Glu495Asp; replaces glutamic acid 495 with aspartic acid.
Molecular consequence: missense variant. On other transcripts: intron variant (1).
Genome position (GRCh38, 1-based): chr11:65,654,549, C>G on the plus strand (G>C on the coding strand, the complement: RELA is on the minus strand). VCF-style: chr11-65654549-C-G. GRCh37 (hg19) VCF-style: chr11-65422020-C-G.
Other names: c.1476G>C, p.Glu492Asp (NM_001145138.2); c.1278G>C, p.Glu426Asp (NM_001243984.2); c.1518G>C, p.Glu506Asp (NM_001404657.1); c.1458G>C, p.Glu486Asp (NM_001404658.1); c.1272G>C, p.Glu424Asp (NM_001404659.1); c.1167G>C, p.Glu389Asp (NM_001404660.1); c.1104G>C, p.Glu368Asp (NM_001404661.1); c.1392G>C, p.Glu464Asp (NM_001404662.1, NM_001404663.1); and 1 more; short protein forms E368D, E464D, E495D, E426D, E506D, E424D, E486D, E389D.
Identifiers: ClinVar variation 2880596 (VCV002880596.3), dbSNP rs756297857, ClinGen allele CA6106588.